The following is an entry in ClinVar:

NM_000218.3(KCNQ1):c.1033-1_1117dup

Gene: KCNQ1 (potassium voltage-gated channel subfamily Q member 1; plus strand). Cytogenetic location: 11p15.5.
Variant type: Duplication.
Coding change: c.1033-1_1117dup on transcript NM_000218.3 (MANE Select); the canonical splice acceptor site of the intron before coding-DNA position 1033 through coding-DNA position 1117, 86 bases duplicated.
Molecular consequence: splice acceptor variant. On other transcripts: intron variant (2).
Genome position (GRCh38, 1-based): chr11:2,585,211-2,585,296, 86 bases duplicated. GRCh37 (hg19): chr11:2,606,441-2,606,526.
Other names: c.763-1_847dup (NM_001406837.1); c.1032+1666_1032+1751dup (NM_001406836.1); c.588+1666_588+1751dup (NM_001406838.1); c.652-1_736dup (NM_181798.2).
Identifiers: ClinVar variation 1771701 (VCV001771701.7), dbSNP rs2493700635, ClinGen allele CA2580082610.

ClinVar aggregate classification (germline): Pathogenic. Review status: criteria provided, multiple submitters, no conflicts (2 of 4 stars). 3 submissions from 3 submitters: Pathogenic (3). Last evaluated 2026-09-04.

Conditions:
Long QT syndrome (LQTS). Identifiers: MedGen C0023976, MeSH D008133, MONDO:0002442. Disease mechanism: loss of function. Inheritance: Various modes of inheritance.
Cardiac arrhythmia. Also called: Arrhythmia; Cardiac rhythm disease. Identifiers: MedGen C0003811, MONDO:0007263, HP:0011675.
Cardiovascular phenotype. Identifiers: MedGen CN230736.

Submissions (3):

Ambry Genetics
Classification: Pathogenic for Cardiovascular phenotype. Last evaluated: 2026-09-04. Review status: criteria provided, single submitter. Criteria: Ambry Variant Classification Scheme 2023. Collection method: clinical testing. Allele origin: germline.
Comment: The c.1033-1_1117dup86 pathogenic mutation results from a duplication of 86 nucleotide(s) between positions 1033-1 and 1117 and involves the canonical splice acceptor site before coding exon 8 of the KCNQ1 gene. In silico splice site analysis predicts that this alteration will weaken the native splice acceptor site and will result in the creation or strengthening of a novel splice acceptor site. The exact impact of this duplication on splicing and function is currently unknown. This alteration has been reported (as c.1032_1117dup) in trans with KCNQ1 c.1319delT in a patient with autosomal recessive Jervell and Lange-Nielson syndrome (Gao Y et al. J Cardiovasc Dis Res 2012 Apr;3(2):67-75). This variant is considered to be rare based on population cohorts in the Genome Aggregation Database (gnomAD). Based on the supporting evidence, this variant is interpreted as a disease-causing mutation.

Labcorp Genetics (formerly Invitae), Labcorp
Classification: Pathogenic for Long QT syndrome. Last evaluated: 2024-01-04. Review status: criteria provided, single submitter. Criteria: Invitae Variant Classification Sherloc (09022015). Collection method: clinical testing. Allele origin: germline.
Comment: This sequence change creates a premature translational stop signal (p.Ser373Trpfs*10) in the KCNQ1 gene. It is expected to result in an absent or disrupted protein product. Loss-of-function variants in KCNQ1 are known to be pathogenic (PMID: 9323054, 19862833). This variant is not present in population databases (gnomAD no frequency). This variant has not been reported in the literature in individuals affected with KCNQ1-related conditions. ClinVar contains an entry for this variant (Variation ID: 1771701). For these reasons, this variant has been classified as Pathogenic.

Color Diagnostics, LLC DBA Color Health
Classification: Pathogenic for Cardiac arrhythmia. Last evaluated: 2023-06-13. Review status: criteria provided, single submitter. Criteria: ACMG Guidelines, 2015. Collection method: clinical testing. Allele origin: germline.
Comment: This variant causes a tandem duplication of c.1033-1_1117 sequence in exon 8 of the KCNQ1 gene. It can also be described as c.1117_1118ins86. This variant is expected to create a frameshift and premature translation stop signal, resulting in an absent or non-functional protein product. This variant has been reported as c.1032_1117dup in an individual with Jervell and Lange-Nielsen syndrome in compound heterozygous state with another pathogenic variant in the same gene (PMID: 22629021). A heterozygous parent of this proband was asymptomatic. This variant has not been identified in the general population by the Genome Aggregation Database (gnomAD). Loss of KCNQ1 function is a known mechanism of disease. Based on the available evidence, this variant is classified as Pathogenic.

Literature cited by the submitters: PubMed 22629021 (cited by Ambry Genetics and Color Diagnostics, LLC DBA Color Health); PubMed 9323054 (cited by Labcorp Genetics (formerly Invitae), Labcorp); PubMed 19862833 (cited by Labcorp Genetics (formerly Invitae), Labcorp).